The following is an entry in ClinVar:

ClinVar aggregate classification (germline): Conflicting classifications of pathogenicity. Review status: criteria provided, conflicting classifications (1 of 4 stars). 4 submissions from 4 submitters: Uncertain significance (1); Benign (1); Likely benign (2). Last evaluated 2025-11-12.

Conditions:
Epilepsy, idiopathic generalized, susceptibility to, 13. Also called: EPILEPSY, JUVENILE MYOCLONIC, SUSCEPTIBILITY TO, 5. Identifiers: Orphanet 307, Orphanet 64280, MedGen C4013473, MONDO:0012627, OMIM 611136.
Epilepsy, childhood absence 4 (ECA4). Also called: EPILEPSY, CHILDHOOD ABSENCE, SUSCEPTIBILITY TO, 4. Identifiers: Orphanet 307, MedGen C1970160.
Idiopathic generalized epilepsy. Also called: Generalised epilepsy; EIG. Identifiers: MedGen C0270850, MONDO:0005579, OMIM 600669.
Inborn genetic diseases. Identifiers: MedGen C0950123, MeSH D030342.

Allele frequency attached by ClinVar (database versions not stated): gnomAD 0.00003; TOPMed 0.00006; ExAC 0.00007; gnomAD exomes 0.00007.
gnomAD v4.1: 102 of 1,585,048 alleles (0.0064%); highest among the groups gnomAD compares: Non-Finnish European, 0.0076%; no homozygotes.

Submissions (4):

Labcorp Genetics (formerly Invitae), Labcorp
Classification: Benign for Epilepsy, childhood absence 4; Epilepsy, idiopathic generalized, susceptibility to, 13; Idiopathic generalized epilepsy. Last evaluated: 2025-11-12. Review status: criteria provided, single submitter. Criteria: Invitae Variant Classification Sherloc (09022015). Collection method: clinical testing. Allele origin: germline.

Ambry Genetics
Classification: Likely benign for Inborn genetic diseases. Last evaluated: 2024-09-08. Review status: criteria provided, single submitter. Criteria: Ambry Variant Classification Scheme 2023. Collection method: clinical testing. Allele origin: germline.

CeGaT Center for Human Genetics Tuebingen
Classification: Likely benign. Last evaluated: 2022-10-01. Review status: criteria provided, single submitter. Criteria: CeGaT Center For Human Genetics Tuebingen Variant Classification Criteria Version 2. Collection method: clinical testing. Allele origin: germline. Affected: yes. Observed: 4 variant alleles.
Comment: GABRA1: PP2, BP4, BS1:Supporting

GeneDx
Classification: Uncertain significance. Last evaluated: 2018-08-21. Review status: criteria provided, single submitter. Criteria: GeneDx Variant Classification (06012015). Collection method: clinical testing. Allele origin: germline. Affected: yes.
Comment: p.Pro29Leu (CCG>CTG): c.86 C>T in exon 4 of the GABRA1 gene (NM_000806.5). The P29L variant has not been published as a pathogenic variant, nor has it been reported as a benign variant to our knowledge. The P29L variant is observed in 1/6574 (0.02%) alleles from individuals of Finnish background and in 8/66468 (0.01%) alleles from individuals of non-Finnish European background (Lek et al., 2016; 1000 Genomes Consortium et al., 2015; Exome Variant Server). The P29L variant is a semi-conservative amino acid substitution, which may impact secondary protein structure as these residues differ in some properties. However, this substitution occurs at a position that is not conserved. In silico analysis is inconsistent in its predictions as to whether or not the variant is damaging to the protein structure/function. Therefore, based on the currently available information, it is unclear whether this variant is a pathogenic variant or a rare benign variant.The variant is found in EPILEPSY panel(s).

NM_001127644.2(GABRA1):c.86C>T (p.Pro29Leu)

Gene: GABRA1 (gamma-aminobutyric acid type A receptor subunit alpha1; plus strand). Cytogenetic location: 5q34.
Variant type: single nucleotide variant.
Coding change: c.86C>T on transcript NM_001127644.2 (MANE Select); coding-DNA position 86, C replaced by T.
Protein change: p.Pro29Leu; replaces proline 29 with leucine.
Molecular consequence: missense variant.
Genome position (GRCh38, 1-based): chr5:161,854,169, C>T. VCF-style: chr5-161854169-C-T. GRCh37 (hg19) VCF-style: chr5-161281175-C-T.
Other names: p.P29L:CCG>CTG; c.86C>T, p.Pro29Leu (NM_000806.5, NM_001127643.2, NM_001127645.2 and 1 more transcripts); short protein forms P29L.
Identifiers: ClinVar variation 205529 (VCV000205529.56), dbSNP rs200218956, ClinGen allele CA314688.
Genomic context (GRCh38, chr5:161,854,169, plus strand): 5'-AGTAGAAATGTATAATTTAGCTATTGCTTCTCTTTATGTTTTTTTTCAGCTATGGACAGC[C>T]GTCATTACAAGATGAACTTAAAGACAATACCACTGTCTTCACCAGGATTTTGGACAGACT-3'
Protein context (NP_001121116.1, residues 19-39): STLTGRSYGQ[Pro29Leu]SLQDELKDNT